The following is an entry in ClinVar:

NM_004544.4(NDUFA10):c.233_235del (p.Ala78del)

Gene: NDUFA10 (NADH:ubiquinone oxidoreductase subunit A10; minus strand). Cytogenetic location: 2q37.3.
Variant type: Deletion.
Coding change: c.233_235del on transcript NM_004544.4 (MANE Select); coding-DNA positions 233 to 235, 3 bases deleted (CAG; older notation c.233_235delCAG).
Protein change: p.Ala78del; deletes alanine 78.
Molecular consequence: inframe deletion. On other transcripts: non-coding transcript variant (3).
Genome position (GRCh38, 1-based): chr2:240,022,181-240,022,183, CTG deleted on the plus strand (CAG on the coding strand, the reverse complement: NDUFA10 is on the minus strand); deleting any 3 consecutive bases within chr2:240,022,181-240,022,185 gives the same sequence; the c. name uses the placement nearest the transcript's 3' end. VCF-style (leftmost placement, unchanged base first): chr2-240022180-TCTG-T. GRCh37 (hg19) VCF-style: chr2-240961597-TCTG-T.
Other names: c.233_235del, p.Ala78del (NM_001322019.2, NM_001322020.2); c.233_235delCAG (NM_004544.4); short protein forms A78del.
Identifiers: ClinVar variation 986071 (VCV000986071.4), dbSNP rs765775292, ClinGen allele CA2201130.

ClinVar aggregate classification (germline): Conflicting classifications of pathogenicity. Review status: criteria provided, conflicting classifications (1 of 4 stars). 2 submissions from 2 submitters: Likely pathogenic (1); Uncertain significance (1). Last evaluated 2024-02-27.

Conditions:
Mitochondrial complex I deficiency, nuclear type 22. Also called: Mitochondrial complex 1 deficiency, nuclear type 22. Identifiers: MedGen C4748796, MONDO:0032626, OMIM 618243.
Inborn genetic diseases. Identifiers: MedGen C0950123, MeSH D030342.

Submissions (2):

Service de Génétique Médicale, Centre Hospitalier Universitaire de Nice-Université Côte d'Azur
Classification: Likely pathogenic for Mitochondrial complex I deficiency, nuclear type 22. Last evaluated: 2024-02-27. Review status: criteria provided, single submitter. Criteria: ACMG Guidelines, 2015. Collection method: clinical testing. Allele origin: germline. Affected: yes.

Ambry Genetics
Classification: Uncertain significance for Inborn genetic diseases. Last evaluated: 2019-01-22. Review status: criteria provided, single submitter. Criteria: Ambry exome assertion method (8-5-2015). Collection method: clinical testing. Allele origin: germline. Affected: yes. Observed: 1 variant allele.

Literature cited by the submitters: PubMed 38703036 (cited by Service de Génétique Médicale, Centre Hospitalier Universitaire de Nice-Université Côte d'Azur).